The following is an entry in ClinVar:

ClinVar aggregate classification (germline): Uncertain significance (1 of 4 stars; one submission).

Conditions:
Rubinstein-Taybi syndrome due to EP300 haploinsufficiency. Also called: RUBINSTEIN-TAYBI SYNDROME 2; EP300-Related Rubinstein-Taybi Syndrome. Identifiers: Orphanet 353284, Orphanet 783, MedGen C3150941, MONDO:0013364, OMIM 613684.

Submission:

Labcorp Genetics (formerly Invitae), Labcorp
Classification: Uncertain significance for Rubinstein-Taybi syndrome due to EP300 haploinsufficiency. Last evaluated: 2025-01-13. Review status: criteria provided, single submitter. Criteria: Invitae Variant Classification Sherloc (09022015). Collection method: clinical testing. Allele origin: germline.
Comment: This sequence change replaces alanine, which is neutral and non-polar, with threonine, which is neutral and polar, at codon 1040 of the EP300 protein (p.Ala1040Thr). This variant is not present in population databases (gnomAD no frequency). This variant has not been reported in the literature in individuals affected with EP300-related conditions. ClinVar contains an entry for this variant (Variation ID: 1469832). Invitae Evidence Modeling of protein sequence and biophysical properties (such as structural, functional, and spatial information, amino acid conservation, physicochemical variation, residue mobility, and thermodynamic stability) indicates that this missense variant is not expected to disrupt EP300 protein function with a negative predictive value of 80%. In summary, the available evidence is currently insufficient to determine the role of this variant in disease. Therefore, it has been classified as a Variant of Uncertain Significance.

NM_001429.4(EP300):c.3118G>A (p.Ala1040Thr)

Genes: EP300 (EP300 lysine acetyltransferase; plus strand), LOC126863158 (BRD4-independent group 4 enhancer GRCh37_chr22:41547383-41548582; plus strand). Cytogenetic location: 22q13.2.
Variant type: single nucleotide variant.
Coding change: c.3118G>A on transcript NM_001429.4 (MANE Select); coding-DNA position 3118, G replaced by A.
Protein change: p.Ala1040Thr; replaces alanine 1040 with threonine.
Molecular consequence: missense variant.
Genome position (GRCh38, 1-based): chr22:41,152,326, G>A. VCF-style: chr22-41152326-G-A. GRCh37 (hg19) VCF-style: chr22-41548330-G-A.
Other names: c.3040G>A, p.Ala1014Thr (NM_001362843.2); short protein forms A1014T, A1040T.
Identifiers: ClinVar variation 1469832 (VCV001469832.8), dbSNP rs2145741097, ClinGen allele CA411693438.